The following is an entry in ClinVar:

ClinVar aggregate classification (germline): Uncertain significance (1 of 4 stars; one submission).

Conditions:
Gnathodiaphyseal dysplasia (GDD). Also called: GNATHODIAPHYSEAL SCLEROSIS; OSTEOGENESIS IMPERFECTA WITH UNUSUAL SKELETAL LESIONS. Identifiers: Orphanet 53697, MedGen C1833736, MONDO:0008151, OMIM 166260.
Autosomal recessive limb-girdle muscular dystrophy type 2L (LGMDR12). Also called: Limb-girdle muscular dystrophy, type 2L; MUSCULAR DYSTROPHY, LIMB-GIRDLE, AUTOSOMAL RECESSIVE 12; Limb-Girdle Muscular Dystrophy R12 Anoctamin-5-Related (LGMD-R12). Identifiers: Orphanet 206549, MedGen C1969785, MONDO:0012652, OMIM 611307.

Allele frequency attached by ClinVar (database versions not stated): gnomAD exomes below 0.00001.
gnomAD v4.1: 4 of 1,612,748 alleles (0.00025%); highest among the groups gnomAD compares: Non-Finnish European, 0.00034%; no homozygotes.

Submission:

Labcorp Genetics (formerly Invitae), Labcorp
Classification: Uncertain significance for Autosomal recessive limb-girdle muscular dystrophy type 2L; Gnathodiaphyseal dysplasia. Last evaluated: 2023-06-29. Review status: criteria provided, single submitter. Criteria: Invitae Variant Classification Sherloc (09022015). Collection method: clinical testing. Allele origin: germline.
Comment: Advanced modeling of protein sequence and biophysical properties (such as structural, functional, and spatial information, amino acid conservation, physicochemical variation, residue mobility, and thermodynamic stability) performed at Invitae indicates that this missense variant is expected to disrupt ANO5 protein function. This sequence change replaces tryptophan, which is neutral and slightly polar, with leucine, which is neutral and non-polar, at codon 277 of the ANO5 protein (p.Trp277Leu). This variant is not present in population databases (gnomAD no frequency). This variant has not been reported in the literature in individuals affected with ANO5-related conditions. In summary, the available evidence is currently insufficient to determine the role of this variant in disease. Therefore, it has been classified as a Variant of Uncertain Significance.

NM_213599.3(ANO5):c.830G>T (p.Trp277Leu)

Gene: ANO5 (anoctamin 5; plus strand). Cytogenetic location: 11p14.3.
Variant type: single nucleotide variant.
Coding change: c.830G>T on transcript NM_213599.3 (MANE Select); coding-DNA position 830, G replaced by T.
Protein change: p.Trp277Leu; replaces tryptophan 277 with leucine.
Molecular consequence: missense variant.
Genome position (GRCh38, 1-based): chr11:22,239,636, G>T. VCF-style: chr11-22239636-G-T. GRCh37 (hg19) VCF-style: chr11-22261182-G-T.
Other names: c.827G>T, p.Trp276Leu (NM_001142649.2); c.788G>T, p.Trp263Leu (NM_001410963.1); c.785G>T, p.Trp262Leu (NM_001410964.1); short protein forms W263L, W277L, W276L, W262L.
Identifiers: ClinVar variation 2947507 (VCV002947507.3), dbSNP rs1399188226, ClinGen allele CA379920510.
Genomic context (GRCh38, chr11:22,239,636, plus strand): 5'-ATTGGAAGCCATCAGAACCTCCCAATCCTACCAATGAAAGATACACACTTCACCAGAATT[G>T]GGCTCGATTTTCCTATTTCTACAAGGAGCAGCCTTTAGACTTGATTAAGTAAGTTTCATA-3'
Protein context (NP_998764.1, residues 267-287): TNERYTLHQN[Trp277Leu]ARFSYFYKEQ